The following is an entry in ClinVar:

ClinVar aggregate classification (germline): Uncertain significance (1 of 4 stars; one submission).

Conditions:
Vici syndrome (VICIS). Identifiers: Orphanet 1493, MedGen C1855772, MONDO:0009452, OMIM 242840.

Allele frequency attached by ClinVar (database versions not stated): gnomAD exomes 0.00001.

Submission:

Labcorp Genetics (formerly Invitae), Labcorp
Classification: Uncertain significance for Vici syndrome. Last evaluated: 2021-12-18. Review status: criteria provided, single submitter. Criteria: Invitae Variant Classification Sherloc (09022015). Collection method: clinical testing. Allele origin: germline.
Comment: This sequence change replaces alanine, which is neutral and non-polar, with valine, which is neutral and non-polar, at codon 659 of the EPG5 protein (p.Ala659Val). This variant is present in population databases (no rsID available, gnomAD 0.005%). This variant has not been reported in the literature in individuals affected with EPG5-related conditions. Algorithms developed to predict the effect of missense changes on protein structure and function are either unavailable or do not agree on the potential impact of this missense change (SIFT: "Tolerated"; PolyPhen-2: "Probably Damaging"; Align-GVGD: "Class C0"). Algorithms developed to predict the effect of sequence changes on RNA splicing suggest that this variant may create or strengthen a splice site. In summary, the available evidence is currently insufficient to determine the role of this variant in disease. Therefore, it has been classified as a Variant of Uncertain Significance.

NM_020964.3(EPG5):c.1976C>T (p.Ala659Val)

Gene: EPG5 (ectopic P-granules 5 autophagy tethering factor; minus strand). Cytogenetic location: 18q21.1.
Variant type: single nucleotide variant.
Coding change: c.1976C>T on transcript NM_020964.3 (MANE Select); coding-DNA position 1976, C replaced by T.
Protein change: p.Ala659Val; replaces alanine 659 with valine.
Molecular consequence: missense variant.
Genome position (GRCh38, 1-based): chr18:45,939,723, G>A on the plus strand (C>T on the coding strand, the complement: EPG5 is on the minus strand). VCF-style: chr18-45939723-G-A. GRCh37 (hg19) VCF-style: chr18-43519689-G-A.
Other names: c.1976C>T, p.Ala659Val (NM_001410859.1, NM_001410858.1); short protein forms A659V.
Identifiers: ClinVar variation 1982401 (VCV001982401.1), dbSNP rs1167758099, ClinGen allele CA402348138.
Genomic context (GRCh38, chr18:45,939,723, plus strand): 5'-TTCTCCATAGAGTAGGGCTGTTGGGCCAATCCTGAGCCTTGGTTATGGCTCACATACTGT[G>A]CCCAATGGTCACTTACATAACCAAGAGTCATCCTGAGCATGAGGAAAGATAATACAGTAC-3'
Protein context (NP_066015.2, residues 649-669): MTLGYVSDHW[Ala659Val]QYVSHNQGSG